The following is an entry in ClinVar:

ClinVar aggregate classification (germline): Uncertain significance (1 of 4 stars; one submission).

Conditions:
Tuberous sclerosis 1 (TSC1). Identifiers: Orphanet 805, MedGen C1854465, MONDO:0008612, OMIM 191100.

Submission:

Labcorp Genetics (formerly Invitae), Labcorp
Classification: Uncertain significance for Tuberous sclerosis 1. Last evaluated: 2021-11-12. Review status: criteria provided, single submitter. Criteria: Invitae Variant Classification Sherloc (09022015). Collection method: clinical testing. Allele origin: germline.
Comment: This sequence change replaces threonine, which is neutral and polar, with isoleucine, which is neutral and non-polar, at codon 252 of the TSC1 protein (p.Thr252Ile). This variant is not present in population databases (gnomAD no frequency). This variant has not been reported in the literature in individuals affected with TSC1-related conditions. Algorithms developed to predict the effect of missense changes on protein structure and function are either unavailable or do not agree on the potential impact of this missense change (SIFT: "Tolerated"; PolyPhen-2: "Probably Damaging"; Align-GVGD: "Class C0"). In summary, the available evidence is currently insufficient to determine the role of this variant in disease. Therefore, it has been classified as a Variant of Uncertain Significance.

NM_000368.5(TSC1):c.755C>T (p.Thr252Ile)

Gene: TSC1 (TSC complex subunit 1; minus strand). Cytogenetic location: 9q34.13.
Variant type: single nucleotide variant.
Coding change: c.755C>T on transcript NM_000368.5 (MANE Select); coding-DNA position 755, C replaced by T.
Protein change: p.Thr252Ile; replaces threonine 252 with isoleucine.
Molecular consequence: missense variant.
Genome position (GRCh38, 1-based): chr9:132,912,440, G>A on the plus strand (C>T on the coding strand, the complement: TSC1 is on the minus strand). VCF-style: chr9-132912440-G-A. GRCh37 (hg19) VCF-style: chr9-135787827-G-A.
Other names: c.755C>T, p.Thr252Ile (NM_001162426.2); c.602C>T, p.Thr201Ile (NM_001162427.2); c.392C>T, p.Thr131Ile (NM_001362177.2); short protein forms T131I, T201I, T252I.
Identifiers: ClinVar variation 1361029 (VCV001361029.6), dbSNP rs1232152905, ClinGen allele CA375369668.